The following is an entry in ClinVar:

NM_021830.5(TWNK):c.104C>T (p.Pro35Leu)

Gene: TWNK (twinkle mtDNA helicase; plus strand). Cytogenetic location: 10q24.31.
Variant type: single nucleotide variant.
Coding change: c.104C>T on transcript NM_021830.5 (MANE Select); coding-DNA position 104, C replaced by T.
Protein change: p.Pro35Leu; replaces proline 35 with leucine.
Molecular consequence: missense variant. On other transcripts: non-coding transcript variant (4), intron variant (3).
Genome position (GRCh38, 1-based): chr10:100,988,314, C>T. VCF-style: chr10-100988314-C-T. GRCh37 (hg19) VCF-style: chr10-102748071-C-T.
Other names: c.104C>T, p.Pro35Leu (NM_001163812.2); c.-120+701C>T (NM_001163814.2, NM_001163813.2); c.-58+701C>T (NM_001368275.1); short protein forms P35L.
Identifiers: ClinVar variation 3030658 (VCV003030658.5), dbSNP rs1438746961, ClinGen allele CA378205991.

ClinVar aggregate classification (germline): Uncertain significance. Review status: criteria provided, multiple submitters, no conflicts (2 of 4 stars). 2 submissions from 2 submitters: Uncertain significance (2). Last evaluated 2026-03-06.

Conditions:
TWNK-related disorder. Also called: TWNK-related condition.

Allele frequency attached by ClinVar (database versions not stated): gnomAD exomes 0.00001; TOPMed 0.00001.

Submissions (2):

PreventionGenetics, part of Exact Sciences
Classification: Uncertain significance for TWNK-related condition. Last evaluated: 2026-03-06. Review status: criteria provided, single submitter. Criteria: ACMG Guidelines, 2015. Collection method: clinical testing. Allele origin: germline.
Comment: The TWNK c.104C>T variant is predicted to result in the amino acid substitution p.Pro35Leu. To our knowledge, this variant has not been reported in the literature. This variant is reported in 0.0029% of alleles in individuals of Latino descent in gnomAD. At this time, the clinical significance of this variant is uncertain due to the absence of conclusive functional and genetic evidence.

Labcorp Genetics (formerly Invitae), Labcorp
Classification: Uncertain significance. Last evaluated: 2024-04-05. Review status: criteria provided, single submitter. Criteria: Invitae Variant Classification Sherloc (09022015). Collection method: clinical testing. Allele origin: germline.
Comment: This sequence change replaces proline, which is neutral and non-polar, with leucine, which is neutral and non-polar, at codon 35 of the TWNK protein (p.Pro35Leu). This variant is present in population databases (no rsID available, gnomAD 0.003%). This variant has not been reported in the literature in individuals affected with TWNK-related conditions. Advanced modeling of protein sequence and biophysical properties (such as structural, functional, and spatial information, amino acid conservation, physicochemical variation, residue mobility, and thermodynamic stability) performed at Invitae indicates that this missense variant is not expected to disrupt TWNK protein function with a negative predictive value of 95%. In summary, the available evidence is currently insufficient to determine the role of this variant in disease. Therefore, it has been classified as a Variant of Uncertain Significance.